The following is an entry in ClinVar:

NM_001025356.3(ANO6):c.2412_2413insT (p.Thr805fs)

Gene: ANO6 (anoctamin 6; plus strand). Cytogenetic location: 12q12.
Variant type: Insertion.
Coding change: c.2412_2413insT on transcript NM_001025356.3 (MANE Select); coding-DNA positions 2412 to 2413, T inserted.
Protein change: p.Thr805fs; shifts the reading frame from threonine 805.
Molecular consequence: frameshift variant.
Genome position: GRCh38 VCF-style: chr12-45421265-C-CT. GRCh37 (hg19) VCF-style: chr12-45815048-C-CT.
Other names: c.2358_2359insT, p.Thr787fs (NM_001142678.2); c.2412_2413insT, p.Thr805fs (NM_001142679.2); c.2475_2476insT, p.Thr826fs (NM_001204803.2); c.2379_2380insT, p.Thr794fs (NM_001410973.1); short protein forms T787fs, T826fs, T805fs, T794fs.
Identifiers: ClinVar variation 2695631 (VCV002695631.3), dbSNP rs2547523202, ClinGen allele CA2618411157.

ClinVar aggregate classification (germline): Pathogenic (1 of 4 stars; one submission).

Allele frequency attached by ClinVar (database versions not stated): gnomAD exomes 0.00001.

Submission:

Labcorp Genetics (formerly Invitae), Labcorp
Classification: Pathogenic. Last evaluated: 2023-11-21. Review status: criteria provided, single submitter. Criteria: Invitae Variant Classification Sherloc (09022015). Collection method: clinical testing. Allele origin: germline.
Comment: This sequence change creates a premature translational stop signal (p.Thr805Tyrfs*6) in the ANO6 gene. It is expected to result in an absent or disrupted protein product. Loss-of-function variants in ANO6 are known to be pathogenic (PMID: 21107324, 21511967, 27879994). This variant is not present in population databases (gnomAD no frequency). This variant has not been reported in the literature in individuals affected with ANO6-related conditions. For these reasons, this variant has been classified as Pathogenic.

Literature cited by the submitters: PubMed 21107324; PubMed 21511967; PubMed 27879994.